The following is an entry in ClinVar:

NM_031885.5(BBS2):c.233dup (p.Thr79fs)

Gene: BBS2 (Bardet-Biedl syndrome 2; minus strand). Cytogenetic location: 16q13.
Variant type: Duplication.
Coding change: c.233dup on transcript NM_031885.5 (MANE Select); coding-DNA position 233, one base duplicated (T; older notation c.233dupT).
Protein change: p.Thr79fs; shifts the reading frame from threonine 79.
Molecular consequence: frameshift variant. On other transcripts: non-coding transcript variant (5).
Genome position (GRCh38, 1-based): chr16:56,514,565, A duplicated on the plus strand (T on the coding strand, the reverse complement: BBS2 is on the minus strand). VCF-style (leftmost placement, unchanged base first): chr16-56514564-C-CA. GRCh37 (hg19) VCF-style: chr16-56548476-C-CA.
Other names: c.233dup, p.Thr79fs (NM_001377456.1); short protein forms T79fs.
Identifiers: ClinVar variation 4081201 (VCV004081201.2).

ClinVar aggregate classification (germline): Pathogenic/Likely pathogenic. Review status: criteria provided, multiple submitters, no conflicts (2 of 4 stars). 2 submissions from 2 submitters: Pathogenic (1); Likely pathogenic (1). Last evaluated 2024-12-17.

Conditions:
BBS2-related ciliopathy. Identifiers: MedGen CN378634, MONDO:1040048.

Submissions (2):

Revvity Omics, Revvity
Classification: Likely pathogenic. Last evaluated: 2024-12-17. Review status: criteria provided, single submitter. Criteria: ACMG Guidelines, 2015. Collection method: clinical testing. Allele origin: germline.

Myriad Genetics, Inc.
Classification: Pathogenic for BBS2-related ciliopathy. Last evaluated: 2024-08-03. Review status: criteria provided, single submitter. Criteria: Myriad Autosomal Dominant, Autosomal Recessive and X-Linked Classification Criteria (2023). Collection method: clinical testing. Allele origin: unknown.
Comment: NM_031885.3(BBS2):c.233dupT(T79Dfs*8) is expected to be pathogenic in the context of Bardet-Biedl syndrome, BBS2-related. This variant is predicted to lead to an abnormal or absent protein product due to the creation of a premature termination codon in BBS2, a gene where loss-of-function variants are known to be pathogenic. Please note: this variant was assessed in the context of healthy population screening.